The following is an entry in ClinVar:

NM_000059.4(BRCA2):c.298A>G (p.Lys100Glu)

Gene: BRCA2 (BRCA2 DNA repair associated; plus strand). Cytogenetic location: 13q13.1.
Variant type: single nucleotide variant.
Coding change: c.298A>G on transcript NM_000059.4 (MANE Select); coding-DNA position 298, A replaced by G.
Protein change: p.Lys100Glu; replaces lysine 100 with glutamic acid.
Molecular consequence: missense variant.
Genome position (GRCh38, 1-based): chr13:32,319,307, A>G. VCF-style: chr13-32319307-A-G. GRCh37 (hg19) VCF-style: chr13-32893444-A-G.
Other names: short protein forms K100E.
Identifiers: ClinVar variation 438967 (VCV000438967.26), dbSNP rs80358546, ClinGen allele CA387754665.

ClinVar aggregate classification (germline): Uncertain significance. Review status: criteria provided, multiple submitters, no conflicts (2 of 4 stars). 7 submissions from 7 submitters: Uncertain significance (7). Last evaluated 2026-02-03.

Conditions:
Hereditary cancer-predisposing syndrome. Also called: Hereditary neoplastic syndrome; Hereditary Cancer Syndrome; Tumor predisposition; Neoplastic Syndromes, Hereditary. Identifiers: Orphanet 140162, MedGen C0027672, MeSH D009386, MONDO:0015356.
Familial cancer of breast. Also called: hereditary breast carcinoma; Hereditary breast cancer; BREAST CANCER, FAMILIAL. Identifiers: Orphanet 227535, MedGen C0346153, MONDO:0016419, OMIM 114480. Disease mechanism: loss of function.
Hereditary breast ovarian cancer syndrome. Also called: Breast and ovarian cancer; Hereditary breast and ovarian cancer; BRCA1- and BRCA2-Associated Hereditary Breast and Ovarian Cancer; Hereditary breast and/or ovarian cancer syndrome; Hereditary breast and ovarian cancer syndrome; Hereditary breast and ovarian cancer syndrome (HBOC). Identifiers: Orphanet 145, MedGen C0677776, MeSH D061325, MONDO:0003582. Disease mechanism: loss of function.

Allele frequency attached by ClinVar (database versions not stated): TOPMed below 0.00001; gnomAD 0.00001.
gnomAD v4.1: 2 of 1,613,560 alleles (0.00012%); highest among the groups gnomAD compares: Non-Finnish European, 0.00017%; no homozygotes.

Submissions (7):

Labcorp Genetics (formerly Invitae), Labcorp
Classification: Uncertain significance for Hereditary breast ovarian cancer syndrome. Last evaluated: 2026-02-03. Review status: criteria provided, single submitter. Criteria: Invitae Variant Classification Sherloc (09022015). Collection method: clinical testing. Allele origin: germline.
Comment: This sequence change replaces lysine, which is basic and polar, with glutamic acid, which is acidic and polar, at codon 100 of the BRCA2 protein (p.Lys100Glu). This variant is not present in population databases (gnomAD no frequency). This missense change has been observed in individual(s) with clinical features of BRCA2-related conditions (PMID: 21520333, 32380732, 34178674). ClinVar contains an entry for this variant (Variation ID: 438967). Invitae Evidence Modeling of protein sequence and biophysical properties (such as structural, functional, and spatial information, amino acid conservation, physicochemical variation, residue mobility, and thermodynamic stability) indicates that this missense variant is not expected to disrupt BRCA2 protein function with a negative predictive value of 95%. In summary, the available evidence is currently insufficient to determine the role of this variant in disease. Therefore, it has been classified as a Variant of Uncertain Significance.

Quest Diagnostics Nichols Institute San Juan Capistrano
Classification: Uncertain significance. Last evaluated: 2025-07-28. Review status: criteria provided, single submitter. Criteria: Quest Diagnostics criteria. Collection method: clinical testing. Allele origin: unknown.
Comment: The BRCA2 c.298A>G (p.Lys100Glu) variant has been reported in the published literature in an individual with breast cancer (PMID: 34178674 (2021)). The frequency of this variant in the general population (Genome Aggregation Database) is uninformative in the assessment of its pathogenicity. Analysis of this variant using bioinformatics tools for the prediction of the effect of amino acid changes on protein structure and function yielded predictions that this variant is benign. Based on the available information, we are unable to determine the clinical significance of this variant.

Ambry Genetics
Classification: Uncertain significance for Hereditary cancer-predisposing syndrome. Last evaluated: 2024-10-29. Review status: criteria provided, single submitter. Criteria: Ambry Variant Classification Scheme 2023. Collection method: clinical testing. Allele origin: germline.
Comment: The p.K100E variant (also known as c.298A>G), located in coding exon 2 of the BRCA2 gene, results from an A to G substitution at nucleotide position 298. The lysine at codon 100 is replaced by glutamic acid, an amino acid with similar properties. This alteration was identified within a cohort of 874 unrelated Italian breast or ovarian cancer patients undergoing genetic testing based on suspicion for HBOC (Fanale D et al. Front Oncol, 2021 Jun;11:682445). This amino acid position is not well conserved in available vertebrate species. In addition, this alteration is predicted to be tolerated by in silico analysis. Based on the available evidence, the clinical significance of this variant remains unclear.

Baylor Genetics
Classification: Uncertain significance for Familial cancer of breast. Last evaluated: 2024-03-17. Review status: criteria provided, single submitter. Criteria: ACMG Guidelines, 2015. Collection method: clinical testing. Allele origin: unknown.

Color Diagnostics, LLC DBA Color Health
Classification: Uncertain significance for Hereditary cancer-predisposing syndrome. Last evaluated: 2023-02-28. Review status: criteria provided, single submitter. Criteria: ACMG Guidelines, 2015. Collection method: clinical testing. Allele origin: germline.
Comment: This missense variant replaces lysine with glutamic acid at codon 100 of the BRCA2 protein. Computational prediction suggests that this variant may not impact protein structure and function (internally defined REVEL score threshold <= 0.5, PMID: 27666373). To our knowledge, functional studies have not been reported for this variant. This variant has been reported in an individual affected with breast or ovarian cancer (PMID: 34178674). This variant has not been identified in the general population by the Genome Aggregation Database (gnomAD). The available evidence is insufficient to determine the role of this variant in disease conclusively. Therefore, this variant is classified as a Variant of Uncertain Significance.

Women's Health and Genetics/Laboratory Corporation of America, LabCorp
Classification: Uncertain significance. Last evaluated: 2021-06-07. Review status: criteria provided, single submitter. Criteria: LabCorp Variant Classification Summary - May 2015. Collection method: clinical testing. Allele origin: germline.
Comment: Variant summary: BRCA2 c.298A>G (p.Lys100Glu) results in a conservative amino acid change in the encoded protein sequence. Four of five in-silico tools predict a benign effect of the variant on protein function. The variant was absent in 250486 control chromosomes. The available data on variant occurrences in the general population are insufficient to allow any conclusion about variant significance. c.298A>G has been reported in the literature as a VUS in individuals affected with Hereditary Breast and/or Ovarian Cancer (example, Incorvaia_2020). These report(s) do not provide unequivocal conclusions about association of the variant with Hereditary Breast And Ovarian Cancer Syndrome. To our knowledge, no experimental evidence demonstrating an impact on protein function has been reported. Four clinical diagnostic laboratories have submitted clinical-significance assessments for this variant to ClinVar after 2014 without evidence for independent evaluation. All laboratories classified the variant as uncertain significance. Based on the evidence outlined above, the variant was classified as uncertain significance.

GeneDx
Classification: Uncertain significance. Last evaluated: 2021-01-28. Review status: criteria provided, single submitter. Criteria: GeneDx Variant Classification Process June 2021. Collection method: clinical testing. Allele origin: germline. Affected: yes.
Comment: Not observed in large population cohorts (Lek 2016); In silico analysis supports that this missense variant does not alter protein structure/function; Has not been previously published as pathogenic or benign to our knowledge; Also known as c.526A>G

Literature cited by the submitters: PubMed 21520333 (cited by Labcorp Genetics (formerly Invitae), Labcorp); PubMed 32380732 (cited by Labcorp Genetics (formerly Invitae), Labcorp and Women's Health and Genetics/Laboratory Corporation of America, LabCorp); PubMed 34178674 (cited by 4 submitters).